The following is an entry in ClinVar:

NM_001754.5(RUNX1):c.805+18C>T

Gene: RUNX1 (RUNX family transcription factor 1; minus strand). Cytogenetic location: 21q22.12.
Variant type: single nucleotide variant.
Coding change: c.805+18C>T on transcript NM_001754.5 (MANE Select); 18 bases into the intron after coding-DNA position 805, C replaced by T.
Molecular consequence: intron variant.
Genome position (GRCh38, 1-based): chr21:34,834,392, G>A on the plus strand (C>T on the coding strand, the complement: RUNX1 is on the minus strand). VCF-style: chr21-34834392-G-A. GRCh37 (hg19) VCF-style: chr21-36206689-G-A.
Other names: c.724+18C>T (NM_001001890.3, NM_001122607.2).
Identifiers: ClinVar variation 2146436 (VCV002146436.7), dbSNP rs2146074236, ClinGen allele CA2580098627.

ClinVar aggregate classification (germline): Likely benign. Review status: reviewed by expert panel (3 of 4 stars). 2 submissions from 2 submitters: Likely benign (1). 1 of the submissions does not count toward it. Last evaluated 2026-04-29.

Conditions:
Hereditary thrombocytopenia and hematologic cancer predisposition syndrome. Identifiers: Orphanet 71290, MedGen CN281654, MONDO:0011071.
Hereditary thrombocytopenia and hematological cancer predisposition syndrome associated with RUNX1. Also called: RUNX1 Familial Platelet Disorder with Associated Myeloid Malignancies; Familial Platelet Disorder with Propensity to Acute Myelogenous Leukemia; Familial thrombocytopenia with propensity to acute myelogenous leukemia; PLATELET DISORDER, ASPIRIN-LIKE. Identifiers: Orphanet 71290, MedGen C1832388, MeSH C563324, MONDO:0100083, OMIM 601399.

Allele frequency attached by ClinVar (database versions not stated): gnomAD exomes below 0.00001.
gnomAD v4.1: 1 of 1,611,526 alleles (0.000062%); highest among the groups gnomAD compares: Non-Finnish European, 0.000085%; no homozygotes.

Submissions (2):

ClinGen Myeloid Malignancy Variant Curation Expert Panel
Classification: Likely benign for Hereditary thrombocytopenia and hematologic cancer predisposition syndrome. Last evaluated: 2026-04-29. Review status: reviewed by expert panel. Criteria: ClinGen MyeloMalig ACMG Specifications V3.1. Collection method: curation. Allele origin: germline. Inheritance: Autosomal dominant inheritance.
Comment: NM_001754.5(RUNX1):c.805+18C>T is an intronic variant which has a SpliceAI score ≤ 0.20 (0.01) (BP4, BP7). This variant has a MAF ≤ 0.00005 in gnomAD v4 across all subpopulations with at least 20X coverage for RUNX1 (PM2_supporting). In summary, this variant meets criteria to be classified as likely benign. ACMG/AMP criteria applied, as specified by the Myeloid Malignancy Variant Curation Expert Panel for RUNX1: BP4, BP7, PM2_supporting.

Labcorp Genetics (formerly Invitae), Labcorp
Classification: Likely benign for Hereditary thrombocytopenia and hematological cancer predisposition syndrome associated with RUNX1. Last evaluated: 2022-09-10. Review status: criteria provided, single submitter. Criteria: Invitae Variant Classification Sherloc (09022015). Collection method: clinical testing. Allele origin: germline. Not counted in ClinVar's aggregate classification.